The following is an entry in ClinVar:

NM_152325.3(TEX26):c.558C>A (p.Tyr186Ter)

Gene: TEX26 (testis expressed 26; plus strand). Cytogenetic location: 13q12.3.
Variant type: single nucleotide variant.
Coding change: c.558C>A on transcript NM_152325.3 (MANE Select); coding-DNA position 558, C replaced by A.
Protein change: p.Tyr186Ter; replaces tyrosine 186 with a stop codon.
Molecular consequence: nonsense.
Genome position (GRCh38, 1-based): chr13:30,966,310, C>A. VCF-style: chr13-30966310-C-A. GRCh37 (hg19) VCF-style: chr13-31540447-C-A.
Other names: c.165C>A, p.Tyr55Ter (NM_001353388.2, NM_001353389.2, NM_001353390.2 and 1 more transcripts); short protein forms Y186*, Y55*.
Identifiers: ClinVar variation 4880043 (VCV004880043.1).

ClinVar aggregate classification (germline): Likely pathogenic (1 of 4 stars; one submission).

Conditions:
Primary ciliary dyskinesia. Also called: Ciliary dyskinesia. Identifiers: Orphanet 244, MedGen C0008780, MONDO:0016575, HP:0012265.

gnomAD v4.1: 56 of 1,613,950 alleles (0.0035%); highest among the groups gnomAD compares: Middle Eastern, 0.033%; no homozygotes.

Submission:

Department of Human Genetics, Hannover Medical School
Classification: Likely pathogenic for Primary Ciliary Dyskinesia. Last evaluated: 2026-04-01. Review status: criteria provided, single submitter. Criteria: ACMG Guidelines, 2015. Collection method: research. Allele origin: germline. Affected: no.
Comment: Classification performed by HerediClassify using the following criteria:['PM2_supporting: Variant occures does not occur as homozygous in gnomAD.', 'PVS1_protein_very_strong: Transcript ENST00000380473 is predicted to undergo NMD.']